The following is an entry in ClinVar:

NM_006231.4(POLE):c.1182G>C (p.Gln394His)

Gene: POLE (DNA polymerase epsilon, catalytic subunit; minus strand). Cytogenetic location: 12q24.33.
Variant type: single nucleotide variant.
Coding change: c.1182G>C on transcript NM_006231.4 (MANE Select); coding-DNA position 1182, G replaced by C.
Protein change: p.Gln394His; replaces glutamine 394 with histidine.
Molecular consequence: missense variant.
Genome position (GRCh38, 1-based): chr12:132,675,442, C>G on the plus strand (G>C on the coding strand, the complement: POLE is on the minus strand). VCF-style: chr12-132675442-C-G. GRCh37 (hg19) VCF-style: chr12-133252028-C-G.
Other names: c.1182G>C (NM_006231.2); short protein forms Q394H.
Identifiers: ClinVar variation 1692911 (VCV001692911.8), dbSNP rs2136008752, ClinGen allele CA387360844.
Genomic context (GRCh38, chr12:132,675,442, plus strand): 5'-GCTCTGTGGCCCCTACCTGAGGCAGTCCATGTGGATGCACTGGGGCGCCTTGTACTCCCC[C>G]TGGCTGTCCTTCTGGAAGCCTATCTCCTGCTGCATGCTCAGACCGTGGACTGCTGCCCGG-3'
Protein context (NP_006222.2, residues 384-404): QQEIGFQKDS[Gln394His]GEYKAPQCIH

ClinVar aggregate classification (germline): Uncertain significance. Review status: criteria provided, multiple submitters, no conflicts (2 of 4 stars). 4 submissions from 4 submitters: Uncertain significance (4). Last evaluated 2025-04-20.

Conditions:
Hereditary cancer-predisposing syndrome. Also called: Hereditary neoplastic syndrome; Tumor predisposition; Neoplastic Syndromes, Hereditary; Hereditary Cancer Syndrome. Identifiers: Orphanet 140162, MedGen C0027672, MeSH D009386, MONDO:0015356.
Colorectal cancer, susceptibility to, 12 (CRCS12). Also called: COLORECTAL CANCER, SUSCEPTIBILITY TO, ON CHROMOSOME 12q24. Identifiers: Orphanet 220460, MedGen C3554460, MONDO:0014038, OMIM 615083.

Submissions (4):

Labcorp Genetics (formerly Invitae), Labcorp
Classification: Uncertain significance. Last evaluated: 2025-04-20. Review status: criteria provided, single submitter. Criteria: Invitae Variant Classification Sherloc (09022015). Collection method: clinical testing. Allele origin: germline.
Comment: This sequence change replaces glutamine, which is neutral and polar, with histidine, which is basic and polar, at codon 394 of the POLE protein (p.Gln394His). This variant is not present in population databases (gnomAD no frequency). This variant has not been reported in the literature in individuals affected with POLE-related conditions. ClinVar contains an entry for this variant (Variation ID: 1692911). Invitae Evidence Modeling of protein sequence and biophysical properties (such as structural, functional, and spatial information, amino acid conservation, physicochemical variation, residue mobility, and thermodynamic stability) indicates that this missense variant is not expected to disrupt POLE protein function with a negative predictive value of 80%. In summary, the available evidence is currently insufficient to determine the role of this variant in disease. Therefore, it has been classified as a Variant of Uncertain Significance.

Ambry Genetics
Classification: Uncertain significance for Hereditary cancer-predisposing syndrome. Last evaluated: 2024-03-02. Review status: criteria provided, single submitter. Criteria: Ambry Variant Classification Scheme 2023. Collection method: clinical testing. Allele origin: germline.
Comment: The p.Q394H variant (also known as c.1182G>C), located in coding exon 12 of the POLE gene, results from a G to C substitution at nucleotide position 1182. The glutamine at codon 394 is replaced by histidine, an amino acid with highly similar properties. This amino acid position is conserved. In addition, the in silico prediction for this alteration is inconclusive. Based on the available evidence, the clinical significance of this alteration remains unclear.

Baylor Genetics
Classification: Uncertain significance for Colorectal cancer, susceptibility to, 12. Last evaluated: 2023-09-04. Review status: criteria provided, single submitter. Criteria: ACMG Guidelines, 2015. Collection method: clinical testing. Allele origin: unknown.

Sema4
Classification: Uncertain significance for Hereditary cancer-predisposing syndrome. Last evaluated: 2021-05-11. Review status: criteria provided, single submitter. Criteria: Sema4 Curation Guidelines. Collection method: curation. Allele origin: germline.
Comment: The POLE c.1182G>C (p.Q394H) variant has not been reported in the literature to our knowledge. It was not observed in the large and broad cohorts of the Genome Aggregation Database (PMID: 32461654) and has not been reported in ClinVar. In silico tools suggest the impact of the variant on protein function is inconclusive, though these predictions have not been confirmed by functional studies. The evidence is insufficient to meet ACMG/AMP criteria for classifying the variant as benign or pathogenic. Thus, the clinical significance of this variant is currently uncertain.